The following is an entry in ClinVar:

ClinVar aggregate classification (germline): Pathogenic. Review status: criteria provided, single submitter (1 of 4 stars). 2 submissions from 2 submitters: Pathogenic (1). 1 of the submissions does not count toward it. Last evaluated 2025-01-14.

Conditions:
Neurofibromatosis, type 1 (NF1). Also called: Peripheral type neurofibromatosis; Neurofibromatosis, type I; VON RECKLINGHAUSEN DISEASE; NEUROFIBROMATOSIS, TYPE I, SOMATIC. Identifiers: Orphanet 636, MedGen C0027831, MONDO:0018975, OMIM 162200. Disease mechanism: loss of function.
Gastric cancer. Also called: Malignant tumor of stomach; Stomach cancer. Identifiers: MedGen C0024623, MeSH D013274, MONDO:0001056, OMIM 613659, HP:0012126.

Submissions (2):

Labcorp Genetics (formerly Invitae), Labcorp
Classification: Pathogenic for Neurofibromatosis, type 1. Last evaluated: 2025-01-14. Review status: criteria provided, single submitter. Criteria: Invitae Variant Classification Sherloc (09022015). Collection method: clinical testing. Allele origin: germline.
Comment: This sequence change affects an acceptor splice site in intron 28 of the NF1 gene. It is expected to disrupt RNA splicing. Variants that disrupt the donor or acceptor splice site typically lead to a loss of protein function (PMID: 16199547), and loss-of-function variants in NF1 are known to be pathogenic (PMID: 10712197, 23913538). This variant is not present in population databases (gnomAD no frequency). Disruption of this splice site has been observed in individuals with NF1-related conditions (PMID: 29618358; internal data). ClinVar contains an entry for this variant (Variation ID: 1801547). Algorithms developed to predict the effect of sequence changes on RNA splicing suggest that this variant may disrupt the consensus splice site. For these reasons, this variant has been classified as Pathogenic.

Laboratory for Genotyping Development, RIKEN
Classification: Pathogenic for Gastric cancer. Last evaluated: 2021-07-01. Review status: no assertion criteria provided. Collection method: research. Allele origin: germline. Not counted in ClinVar's aggregate classification.

Literature cited by the submitters: PubMed 16199547 (cited by Labcorp Genetics (formerly Invitae), Labcorp); PubMed 10712197 (cited by Labcorp Genetics (formerly Invitae), Labcorp); PubMed 23913538 (cited by Labcorp Genetics (formerly Invitae), Labcorp); PubMed 29618358 (cited by Labcorp Genetics (formerly Invitae), Labcorp); PubMed 36988593 (cited by Laboratory for Genotyping Development, RIKEN).

NM_001042492.3(NF1):c.3871-1G>C

Gene: NF1 (neurofibromin 1; plus strand). Cytogenetic location: 17q11.2.
Variant type: single nucleotide variant.
Coding change: c.3871-1G>C on transcript NM_001042492.3 (MANE Select); the canonical splice acceptor site of the intron before coding-DNA position 3871, G replaced by C.
Molecular consequence: splice acceptor variant.
Genome position (GRCh38, 1-based): chr17:31,235,917, G>C. VCF-style: chr17-31235917-G-C. GRCh37 (hg19) VCF-style: chr17-29562935-G-C.
Other names: c.3871-1G>C (NM_000267.4).
Identifiers: ClinVar variation 1801547 (VCV001801547.14), dbSNP rs1567852753, ClinGen allele CA398992978.
Genomic context (GRCh38, chr17:31,235,917, plus strand): 5'-TTCTTTTAAGGTAAAATATATGGAGCAGGTATAATAAACTCCTATTCGTGCATTTCTGTA[G>C]GTATATGGTGCTACCTATCTACAAAAACTCCTGGATCCTTTATTACGAATTGTGATCACA-3'